The following is an entry in ClinVar:

ClinVar aggregate classification (germline): Conflicting classifications of pathogenicity. Review status: criteria provided, conflicting classifications (1 of 4 stars). 3 submissions from 3 submitters: Uncertain significance (1); Benign (1). 1 of the submissions does not count toward it. Last evaluated 2026-01-24.

Conditions:
SLC27A5-related disorder. Also called: SLC27A5-related condition.

Allele frequency attached by ClinVar (database versions not stated): gnomAD exomes 0.00013 and 0.00050; gnomAD 0.00019 and 0.00026; TOPMed 0.00039; ExAC 0.00050; 1000 Genomes Project 30x 0.00109; 1000 Genomes Project 0.00120.
gnomAD v4.1: 224 of 1,609,804 alleles (0.014%); highest among the groups gnomAD compares: East Asian, 0.46%; 3 homozygotes.

Submissions (3):

Labcorp Genetics (formerly Invitae), Labcorp
Classification: Benign. Last evaluated: 2026-01-24. Review status: criteria provided, single submitter. Criteria: Invitae Variant Classification Sherloc (09022015). Collection method: clinical testing. Allele origin: germline.

Eurofins Ntd Llc (ga)
Classification: Uncertain significance. Last evaluated: 2018-04-19. Review status: criteria provided, single submitter. Criteria: EGL ClinVar v180209 classification definitions. Collection method: clinical testing. Allele origin: germline. Observed: 3 variant alleles, 3 heterozygotes.

PreventionGenetics, part of Exact Sciences
Classification: Likely benign for SLC27A5-related condition. Last evaluated: 2021-07-21. Review status: no assertion criteria provided. Collection method: clinical testing. Allele origin: germline. Not counted in ClinVar's aggregate classification.
Comment: This variant is classified as likely benign based on ACMG/AMP sequence variant interpretation guidelines (Richards et al. 2015 PMID: 25741868, with internal and published modifications).

NM_012254.3(SLC27A5):c.2070C>G (p.Leu690=)

Gene: SLC27A5 (solute carrier family 27 member 5; minus strand). Cytogenetic location: 19q13.43.
Variant type: single nucleotide variant.
Coding change: c.2070C>G on transcript NM_012254.3 (MANE Select); coding-DNA position 2070, C replaced by G.
Protein change: p.Leu690=; no amino-acid change (leucine 690 retained).
Molecular consequence: synonymous variant.
Genome position (GRCh38, 1-based): chr19:58,498,518, G>C on the plus strand (C>G on the coding strand, the complement: SLC27A5 is on the minus strand). VCF-style: chr19-58498518-G-C. GRCh37 (hg19) VCF-style: chr19-59009885-G-C.
Other names: c.2070C>G (NM_012254.2); c.1818C>G, p.Leu606= (NM_001321196.2).
Identifiers: ClinVar variation 499062 (VCV000499062.10), dbSNP rs184994408, ClinGen allele CA9717734.